The following is an entry in ClinVar:

ClinVar aggregate classification (germline): Uncertain significance. Review status: criteria provided, multiple submitters, no conflicts (2 of 4 stars). 3 submissions from 3 submitters: Uncertain significance (3). Last evaluated 2025-05-23.

Conditions:
Ataxia-telangiectasia syndrome (AT). Also called: Ataxia-telangiectasia, complementation group D; AT, COMPLEMENTATION GROUP C; Ataxia-telangiectasia, complementation group E; Cerebello-oculocutaneous telangiectasia; Immunodeficiency with ataxia telangiectasia; ATAXIA-TELANGIECTASIA, COMPLEMENTATION GROUP A. Identifiers: Orphanet 100, MedGen C0004135, MONDO:0008840, OMIM 208900.
Hereditary cancer-predisposing syndrome. Also called: Neoplastic Syndromes, Hereditary; Hereditary Cancer Syndrome; Tumor predisposition; Hereditary neoplastic syndrome. Identifiers: Orphanet 140162, MedGen C0027672, MeSH D009386, MONDO:0015356.

Submissions (3):

Ambry Genetics
Classification: Uncertain significance for Hereditary cancer-predisposing syndrome. Last evaluated: 2025-05-23. Review status: criteria provided, single submitter. Criteria: Ambry Variant Classification Scheme 2023. Collection method: clinical testing. Allele origin: germline.
Comment: The p.S712A variant (also known as c.2134T>G), located in coding exon 13 of the ATM gene, results from a T to G substitution at nucleotide position 2134. The serine at codon 712 is replaced by alanine, an amino acid with similar properties. This amino acid position is conserved. In addition, this alteration is predicted to be tolerated by in silico analysis. Based on the available evidence, the clinical significance of this variant remains unclear.

Labcorp Genetics (formerly Invitae), Labcorp
Classification: Uncertain significance for Ataxia-telangiectasia syndrome. Last evaluated: 2024-05-04. Review status: criteria provided, single submitter. Criteria: Invitae Variant Classification Sherloc (09022015). Collection method: clinical testing. Allele origin: germline.
Comment: This sequence change replaces serine, which is neutral and polar, with alanine, which is neutral and non-polar, at codon 712 of the ATM protein (p.Ser712Ala). This variant is not present in population databases (gnomAD no frequency). This variant has not been reported in the literature in individuals affected with ATM-related conditions. ClinVar contains an entry for this variant (Variation ID: 584781). Algorithms developed to predict the effect of missense changes on protein structure and function output the following: SIFT: "Not Available"; PolyPhen-2: "Benign"; Align-GVGD: "Not Available". The alanine amino acid residue is found in multiple mammalian species, which suggests that this missense change does not adversely affect protein function. In summary, the available evidence is currently insufficient to determine the role of this variant in disease. Therefore, it has been classified as a Variant of Uncertain Significance.

Mendelics
Classification: Uncertain significance for Ataxia-telangiectasia syndrome. Last evaluated: 2018-07-02. Review status: criteria provided, single submitter. Criteria: Mendelics Assertion Criteria 2017. Collection method: clinical testing. Allele origin: unknown.

NM_000051.4(ATM):c.2134T>G (p.Ser712Ala)

Gene: ATM (ATM serine/threonine kinase; plus strand). Cytogenetic location: 11q22.3.
Variant type: single nucleotide variant.
Coding change: c.2134T>G on transcript NM_000051.4 (MANE Select); coding-DNA position 2134, T replaced by G.
Protein change: p.Ser712Ala; replaces serine 712 with alanine.
Molecular consequence: missense variant.
Genome position (GRCh38, 1-based): chr11:108,256,224, T>G. VCF-style: chr11-108256224-T-G. GRCh37 (hg19) VCF-style: chr11-108126951-T-G.
Other names: c.2134T>G, p.Ser712Ala (NM_001351834.2); c.2134T>G (NM_000051.3); short protein forms S712A.
Identifiers: ClinVar variation 584781 (VCV000584781.10), dbSNP rs1565394509, ClinGen allele CA382538672.